The following is an entry in ClinVar:

ClinVar aggregate classification (germline): Uncertain significance. Review status: criteria provided, multiple submitters, no conflicts (2 of 4 stars). 3 submissions from 3 submitters: Uncertain significance (3). Last evaluated 2026-10-01.

Conditions:
Rothmund-Thomson syndrome type 2 (RTS2). Identifiers: Orphanet 221016, MedGen C5203410, MONDO:0016369, OMIM 268400.
RECQL4-related disorder. Also called: RECQL4-related condition; RECQL4-related disorders.
Baller-Gerold syndrome (BGS). Also called: CRANIOSYNOSTOSIS WITH RADIAL DEFECTS. Identifiers: Orphanet 1225, MedGen C0265308, MONDO:0009039, OMIM 218600.

Allele frequency attached by ClinVar (database versions not stated): gnomAD exomes 0.00002 and 0.00006; gnomAD 0.00003 and 0.00004; TOPMed 0.00004; ExAC 0.00006; ESP Exome Variant Server 0.00008.

Submissions (3):

St. Jude Molecular Pathology, St. Jude Children's Research Hospital
Classification: Uncertain significance for Rothmund-Thomson syndrome type 2. Last evaluated: 2026-10-01. Review status: criteria provided, single submitter. Criteria: St. Jude Assertion Criteria 2020. Collection method: clinical testing. Allele origin: germline.
Comment: The RECQL4 c.2653C>T p.(Leu885Phe) missense change has a maximum subpopulation frequency of 0.005% in gnomAD v2.1.1. In silico tools are inconclusive about a pathogenic or benign effect of this variant on protein function, and to our knowledge functional studies have not been performed. To our knowledge, this variant has not been reported in individuals with RECQL4-associated conditions. In summary, the evidence currently available is insufficient to determine the clinical significance of this variant. It has therefore been classified as of uncertain significance.

PreventionGenetics, part of Exact Sciences
Classification: Uncertain significance for RECQL4-related condition. Last evaluated: 2026-09-15. Review status: criteria provided, single submitter. Criteria: ACMG Guidelines, 2015. Collection method: clinical testing. Allele origin: germline.
Comment: The RECQL4 c.2653C>T variant is predicted to result in the amino acid substitution p.Leu885Phe. To our knowledge, this variant has not been reported in the literature. It is reported in 0.0053% of alleles in individuals of European (Non-Finnish) descent in gnomAD and is classified as uncertain in ClinVar (Variation ID: 528950). At this time, the clinical significance of this variant is uncertain due to the absence of conclusive functional and genetic evidence.

Labcorp Genetics (formerly Invitae), Labcorp
Classification: Uncertain significance for Baller-Gerold syndrome. Last evaluated: 2025-12-22. Review status: criteria provided, single submitter. Criteria: Invitae Variant Classification Sherloc (09022015). Collection method: clinical testing. Allele origin: germline.
Comment: This sequence change replaces leucine, which is neutral and non-polar, with phenylalanine, which is neutral and non-polar, at codon 885 of the RECQL4 protein (p.Leu885Phe). This variant is present in population databases (rs367559549, gnomAD 0.005%). This variant has not been reported in the literature in individuals affected with RECQL4-related conditions. ClinVar contains an entry for this variant (Variation ID: 528950). Invitae Evidence Modeling of protein sequence and biophysical properties (such as structural, functional, and spatial information, amino acid conservation, physicochemical variation, residue mobility, and thermodynamic stability) indicates that this missense variant is not expected to disrupt RECQL4 protein function with a negative predictive value of 80%. In summary, the available evidence is currently insufficient to determine the role of this variant in disease. Therefore, it has been classified as a Variant of Uncertain Significance.

NM_004260.4(RECQL4):c.2653C>T (p.Leu885Phe)

Gene: RECQL4 (RecQ like helicase 4; minus strand). Cytogenetic location: 8q24.3.
Variant type: single nucleotide variant.
Coding change: c.2653C>T on transcript NM_004260.4 (MANE Select); coding-DNA position 2653, C replaced by T.
Protein change: p.Leu885Phe; replaces leucine 885 with phenylalanine.
Molecular consequence: missense variant.
Genome position (GRCh38, 1-based): chr8:144,512,949, G>A on the plus strand (C>T on the coding strand, the complement: RECQL4 is on the minus strand). VCF-style: chr8-144512949-G-A. GRCh37 (hg19) VCF-style: chr8-145738332-G-A.
Other names: short protein forms L885F.
Identifiers: ClinVar variation 528950 (VCV000528950.10), dbSNP rs367559549, ClinGen allele CA4948158.